The following is an entry in ClinVar:

NM_022124.6(CDH23):c.1820G>A (p.Gly607Asp)

Gene: CDH23 (cadherin related 23; plus strand). Cytogenetic location: 10q22.1.
Variant type: single nucleotide variant.
Coding change: c.1820G>A on transcript NM_022124.6 (MANE Select); coding-DNA position 1820, G replaced by A.
Protein change: p.Gly607Asp; replaces glycine 607 with aspartic acid.
Molecular consequence: missense variant.
Genome position (GRCh38, 1-based): chr10:71,679,454, G>A. VCF-style: chr10-71679454-G-A. GRCh37 (hg19) VCF-style: chr10-73439211-G-A.
Other names: c.1820G>A, p.Gly607Asp (NM_001171930.2, NM_001171931.2); short protein forms G607D.
Identifiers: ClinVar variation 1461934 (VCV001461934.3), dbSNP rs1473782270, ClinGen allele CA377131067.

ClinVar aggregate classification (germline): Uncertain significance (1 of 4 stars; one submission).

Allele frequency attached by ClinVar (database versions not stated): gnomAD exomes below 0.00001 and 0.00001; TOPMed 0.00001.
gnomAD v4.1: 1 of 1,613,330 alleles (0.000062%); highest among the groups gnomAD compares: Admixed American, 0.0017%; no homozygotes.

Submission:

Labcorp Genetics (formerly Invitae), Labcorp
Classification: Uncertain significance. Last evaluated: 2022-02-25. Review status: criteria provided, single submitter. Criteria: Invitae Variant Classification Sherloc (09022015). Collection method: clinical testing. Allele origin: germline.
Comment: This sequence change replaces glycine, which is neutral and non-polar, with aspartic acid, which is acidic and polar, at codon 607 of the CDH23 protein (p.Gly607Asp). This variant is present in population databases (no rsID available, gnomAD 0.006%). This variant has not been reported in the literature in individuals affected with CDH23-related conditions. Algorithms developed to predict the effect of missense changes on protein structure and function are either unavailable or do not agree on the potential impact of this missense change (SIFT: "Tolerated"; PolyPhen-2: "Not Available"; Align-GVGD: "Class C0"). In summary, the available evidence is currently insufficient to determine the role of this variant in disease. Therefore, it has been classified as a Variant of Uncertain Significance.